The following is an entry in ClinVar:

ClinVar aggregate classification (germline): Uncertain significance (1 of 4 stars; one submission).

Conditions:
Chuvash polycythemia. Also called: POLYCYTHEMIA, VHL-DEPENDENT. Identifiers: Orphanet 238557, MedGen C1837915, MONDO:0009892, OMIM 263400.
Von Hippel-Lindau syndrome (VHLS). Also called: von Hippel–Lindau syndrome; Von Hippel-Lindau; VHL syndrome. Identifiers: Orphanet 892, MedGen C0019562, MONDO:0008667, OMIM 193300. Disease mechanism: loss of function.

Submission:

Labcorp Genetics (formerly Invitae), Labcorp
Classification: Uncertain significance for Von Hippel-Lindau syndrome; Chuvash polycythemia. Last evaluated: 2021-02-24. Review status: criteria provided, single submitter. Criteria: Invitae Variant Classification Sherloc (09022015). Collection method: clinical testing. Allele origin: germline.
Comment: This sequence change falls in intron 1 of the VHL gene. It is not expected to change the encoded amino acid sequence of the VHL protein. However, this sequence change falls within a cryptic exon in the VHL gene, known as exon E1’, which is naturally expressed at low levels in several human tissues (PMID: 29891534). The frequency data for this variant in the population databases is considered unreliable, as metrics indicate insufficient coverage at this position in the ExAC database. This variant has not been reported in the literature in individuals with VHL-related conditions. In summary, the available evidence is currently insufficient to determine the role of this variant in disease. Therefore, it has been classified as a Variant of Uncertain Significance. Experimental studies and prediction algorithms are not available or were not evaluated, and the functional significance of this variant is currently unknown.

Literature cited by the submitters: PubMed 29891534.

NM_000551.4(VHL):c.340+693G>A

Genes: VHL (von Hippel-Lindau tumor suppressor; plus strand), LOC107303340 (3p25 von Hippel-Lindau tumor suppressor, E3 ubiquitin protein ligase Alu-mediated recombination region; plus strand). Cytogenetic location: 3p25.3.
Variant type: single nucleotide variant.
Coding change: c.340+693G>A on transcript NM_000551.4 (MANE Select); 693 bases into the intron after coding-DNA position 340, G replaced by A.
Molecular consequence: intron variant. On other transcripts: missense variant (1).
Genome position (GRCh38, 1-based): chr3:10,142,880, G>A. VCF-style: chr3-10142880-G-A. GRCh37 (hg19) VCF-style: chr3-10184564-G-A.
Other names: c.458G>A, p.Gly153Glu (NM_001354723.2); c.340+693G>A (NM_198156.3); short protein forms G153E.
Identifiers: ClinVar variation 1433517 (VCV001433517.8), dbSNP rs2125125987, ClinGen allele CA2573136117.
Genomic context (GRCh38, chr3:10,142,880, plus strand): 5'-TCCTCCTGGGGAGACTGACAGATGCAAAGACAGGAACAAGCCAGGGTCATGTTGGCGCCG[G>A]AAGAGCCGACCGTGTGTGGCGTGGGAAATTGACTTACCTGCCTGCTGGGAGATGGAGGGG-3'